The following is an entry in ClinVar:

ClinVar aggregate classification (germline): Uncertain significance (1 of 4 stars; one submission).

gnomAD v4.1: 34 of 1,505,270 alleles (0.0023%); highest among the groups gnomAD compares: Non-Finnish European, 0.003%; no homozygotes.

Submission:

Labcorp Genetics (formerly Invitae), Labcorp
Classification: Uncertain significance. Last evaluated: 2024-03-23. Review status: criteria provided, single submitter. Criteria: Invitae Variant Classification Sherloc (09022015). Collection method: clinical testing. Allele origin: germline.
Comment: This sequence change replaces serine, which is neutral and polar, with leucine, which is neutral and non-polar, at codon 64 of the PDE4D protein (p.Ser64Leu). This variant is not present in population databases (gnomAD no frequency). This variant has not been reported in the literature in individuals affected with PDE4D-related conditions. An algorithm developed to predict the effect of missense changes on protein structure and function (PolyPhen-2) suggests that this variant is likely to be tolerated. In summary, the available evidence is currently insufficient to determine the role of this variant in disease. Therefore, it has been classified as a Variant of Uncertain Significance.

NM_001104631.2(PDE4D):c.191C>T (p.Ser64Leu)

Gene: PDE4D (phosphodiesterase 4D; minus strand). Cytogenetic location: 5q12.1.
Variant type: single nucleotide variant.
Coding change: c.191C>T on transcript NM_001104631.2 (MANE Select); coding-DNA position 191, C replaced by T.
Protein change: p.Ser64Leu; replaces serine 64 with leucine.
Molecular consequence: missense variant. On other transcripts: intron variant (5).
Genome position (GRCh38, 1-based): chr5:59,893,432, G>A on the plus strand (C>T on the coding strand, the complement: PDE4D is on the minus strand). VCF-style: chr5-59893432-G-A. GRCh37 (hg19) VCF-style: chr5-59189259-G-A.
Other names: c.272+95056C>T (NM_001364599.1, NM_001165899.2, NM_001364600.2); c.-240+95056C>T (NM_001349243.2); c.242+95056C>T (NM_001349241.2); short protein forms S64L.
Identifiers: ClinVar variation 3682634 (VCV003682634.2).
Genomic context (GRCh38, chr5:59,893,432, plus strand): 5'-GGCGGCGGCAGGGGGGGCGGCGGCGGCGGCTGTAGCGGACACTGGGGCTGGGGCTGGGGC[G>A]AGGGTGGCGGCGGCGGGGGCAGGTGGTGATGGGGATGCAGGAGGCGGAACTGGGGCTGCC-3'
Protein context (NP_001098101.1, residues 54-74): HHHLPPPPPP[Ser64Leu]PQPQPQCPLQ